The following is an entry in ClinVar:

NM_000256.3(MYBPC3):c.3190G>A (p.Asp1064Asn)

Gene: MYBPC3 (myosin binding protein C3; minus strand). Cytogenetic location: 11p11.2.
Variant type: single nucleotide variant.
Coding change: c.3190G>A on transcript NM_000256.3 (MANE Select); coding-DNA position 3190, G replaced by A.
Protein change: p.Asp1064Asn; replaces aspartic acid 1064 with asparagine.
Molecular consequence: missense variant.
Genome position (GRCh38, 1-based): chr11:47,333,557, C>T on the plus strand (G>A on the coding strand, the complement: MYBPC3 is on the minus strand). VCF-style: chr11-47333557-C-T. GRCh37 (hg19) VCF-style: chr11-47355108-C-T.
Other names: short protein forms D1064N.
Identifiers: ClinVar variation 179881 (VCV000179881.4), dbSNP rs727505191, ClinGen allele CA013646.
Genomic context (GRCh38, chr11:47,333,557, plus strand): 5'-CCCAGCAGCCCAGCCCAGGGAAGGGAAACAAGGGGGCTCAAGGAGGCCTTGGCCACGCAC[C>T]AACAACCTGCAGCACCAGCGTGGCCTTGTCCTCCATGTTCTCAATGCGCACCGTCACCTG-3'
Protein context (NP_000247.2, residues 1054-1074): DKATLVLQVV[Asp1064Asn]KPSPPQDLRV

ClinVar aggregate classification (germline): Uncertain significance (1 of 4 stars; one submission).

Submission:

Laboratory for Molecular Medicine, Mass General Brigham Personalized Medicine
Classification: Uncertain significance. Last evaluated: 2014-07-15. Review status: criteria provided, single submitter. Criteria: LMM Criteria. Collection method: clinical testing. Allele origin: germline. Observed: 1 variant allele.
Comment: The Asp1064Asn variant in MYBPC3 has not been previously reported in individuals with cardiomyopathy or in large population studies. Computational prediction to ols and conservation analysis do not provide strong evidence for or against an i mpact the protein. However, this variant is located in the last base of the exon , which is part of the 5? splice region and computational tools predict that thi s variant may alter splicing. However, these computational tools are not predict ive enough to determine pathogenicity. Other pathogenic splice variants have bee n reported in this region (3190+1G>A, 3190+2T>G, and 3190+5G>A). In summary, the clinical significance of the Asp1064Asn variant is uncertain.